The following is an entry in ClinVar:

ClinVar aggregate classification (germline): Uncertain significance (1 of 4 stars; one submission).

gnomAD v4.1: 9 of 1,184,613 alleles (0.00076%); highest among the groups gnomAD compares: Non-Finnish European, 0.00057%; no homozygotes.

Submission:

GeneDx
Classification: Uncertain significance. Last evaluated: 2025-02-13. Review status: criteria provided, single submitter. Criteria: GeneDx Variant Classification Process June 2021. Collection method: clinical testing. Allele origin: germline. Affected: yes.
Comment: Not observed at significant frequency in large population cohorts (gnomAD); In silico analysis supports that this missense variant has a deleterious effect on protein structure/function; Has not been previously published as pathogenic or benign to our knowledge

NM_000202.8(IDS):c.305T>A (p.Leu102Gln)

Gene: IDS (iduronate 2-sulfatase; minus strand). Cytogenetic location: Xq28.
Variant type: single nucleotide variant.
Coding change: c.305T>A on transcript NM_000202.8 (MANE Select); coding-DNA position 305, T replaced by A.
Protein change: p.Leu102Gln; replaces leucine 102 with glutamine.
Molecular consequence: missense variant. On other transcripts: non-coding transcript variant (1).
Genome position (GRCh38, 1-based): chrX:149,503,425, A>T on the plus strand (T>A on the coding strand, the complement: IDS is on the minus strand). VCF-style: chrX-149503425-A-T. GRCh37 (hg19) VCF-style: chrX-148584955-A-T.
Other names: c.35T>A, p.Leu12Gln (NM_001166550.4); c.305T>A, p.Leu102Gln (NM_006123.5); short protein forms L102Q, L12Q.
Identifiers: ClinVar variation 4075694 (VCV004075694.1).